The following is an entry in ClinVar:

NM_031466.8(TRAPPC9):c.-219G>A

Gene: TRAPPC9 (trafficking protein particle complex subunit 9; minus strand). Cytogenetic location: 8q24.3.
Variant type: single nucleotide variant.
Coding change: c.-219G>A on transcript NM_031466.8; 219 bases upstream of the start codon, G replaced by A.
Molecular consequence: 5 prime UTR variant.
Genome position (GRCh38, 1-based): chr8:140,458,489, C>T on the plus strand (G>A on the coding strand, the complement: TRAPPC9 is on the minus strand). VCF-style: chr8-140458489-C-T. GRCh37 (hg19) VCF-style: chr8-141468588-C-T.
Identifiers: ClinVar variation 1336188 (VCV001336188.7), dbSNP rs750200775, ClinGen allele CA186540982.
Genomic context (GRCh38, chr8:140,458,489, plus strand): 5'-GGTGGGTGACCGTGGCGCGCGCGGCCTGGGAGCGCCTCCAGGATCGCAGGGCCCGGGAGG[C>T]ACGTGAGGTGCGAGCCCCAGCCTGGGCCGGCTTCCCCCTGTGTGGCGCGCGGTCTTGATC-3'

ClinVar aggregate classification (germline): Uncertain significance. Review status: criteria provided, multiple submitters, no conflicts (2 of 4 stars). 2 submissions from 2 submitters: Uncertain significance (2). Last evaluated 2022-07-11.

gnomAD v4.1: 7 of 1,575,592 alleles (0.00044%); highest among the groups gnomAD compares: African/African-American, 0.0027%; no homozygotes.

Submissions (2):

Labcorp Genetics (formerly Invitae), Labcorp
Classification: Uncertain significance. Last evaluated: 2022-07-11. Review status: criteria provided, single submitter. Criteria: Invitae Variant Classification Sherloc (09022015). Collection method: clinical testing. Allele origin: germline.
Comment: This sequence change replaces alanine, which is neutral and non-polar, with threonine, which is neutral and polar, at codon 26 of the TRAPPC9 protein (p.Ala26Thr). The frequency data for this variant in the population databases is considered unreliable, as metrics indicate poor data quality at this position in the gnomAD database. This variant has not been reported in the literature in individuals affected with TRAPPC9-related conditions. ClinVar contains an entry for this variant (Variation ID: 1336188). Algorithms developed to predict the effect of missense changes on protein structure and function output the following: SIFT: "Not Available"; PolyPhen-2: "Not Available"; Align-GVGD: "Not Available". The threonine amino acid residue is found in multiple mammalian species, which suggests that this missense change does not adversely affect protein function. In summary, the available evidence is currently insufficient to determine the role of this variant in disease. Therefore, it has been classified as a Variant of Uncertain Significance.

Genetic Services Laboratory, University of Chicago
Classification: Uncertain significance. Last evaluated: 2017-08-25. Review status: criteria provided, single submitter. Criteria: ACMG Guidelines, 2015. Collection method: clinical testing. Allele origin: germline. Affected: no.